The following is an entry in ClinVar:

ClinVar aggregate classification (germline): Uncertain significance (1 of 4 stars; one submission).

gnomAD v4.1: 1 of 1,608,672 alleles (0.000062%); highest among the groups gnomAD compares: African/African-American, 0.0013%; no homozygotes.

Submission:

GeneDx
Classification: Uncertain significance. Last evaluated: 2024-02-22. Review status: criteria provided, single submitter. Criteria: GeneDx Variant Classification Process June 2021. Collection method: clinical testing. Allele origin: germline. Affected: yes.
Comment: Not observed at significant frequency in large population cohorts (gnomAD); In silico analysis supports that this missense variant does not alter protein structure/function; Has not been previously published as pathogenic or benign to our knowledge

NM_001130021.3(ATP6V0A1):c.1570A>G (p.Ile524Val)

Gene: ATP6V0A1 (ATPase H+ transporting V0 subunit a1; plus strand). Cytogenetic location: 17q21.2.
Variant type: single nucleotide variant.
Coding change: c.1570A>G on transcript NM_001130021.3 (MANE Select); coding-DNA position 1570, A replaced by G.
Protein change: p.Ile524Val; replaces isoleucine 524 with valine.
Molecular consequence: missense variant.
Genome position (GRCh38, 1-based): chr17:42,498,933, A>G. VCF-style: chr17-42498933-A-G. GRCh37 (hg19) VCF-style: chr17-40650951-A-G.
Other names: c.1591A>G, p.Ile531Val (NM_001130020.3, NM_001378522.1, NM_001378523.1 and 3 more transcripts); c.1693A>G, p.Ile565Val (NM_001378530.1, NM_001378533.1, NM_001378551.1 and 1 more transcripts); c.1714A>G, p.Ile572Val (NM_001378531.1, NM_001378532.1); c.1570A>G, p.Ile524Val (NM_001378535.1, NM_001378537.1, NM_001378542.1 and 3 more transcripts); c.1462A>G, p.Ile488Val (NM_001378536.1, NM_001378550.1, NM_001378556.1); c.1441A>G, p.Ile481Val (NM_001378538.1, NM_001378540.1); c.1411A>G, p.Ile471Val (NM_001378543.1); c.1360A>G, p.Ile454Val (NM_001378545.1, NM_001378554.1); and 3 more; short protein forms I442V, I453V, I454V, I464V, I471V, I481V, I488V, I524V.
Identifiers: ClinVar variation 3369647 (VCV003369647.1).